The following is an entry in ClinVar:

ClinVar aggregate classification (germline): Pathogenic/Likely pathogenic. Review status: criteria provided, multiple submitters, no conflicts (2 of 4 stars). 2 submissions from 2 submitters: Pathogenic (1); Likely pathogenic (1). Last evaluated 2025-08-21.

Conditions:
Neuronal ceroid lipofuscinosis. Also called: Neuronal Ceroid Lipofuscinoses. Identifiers: Orphanet 216, Orphanet 79263, MedGen C0027877, MONDO:0016295. Disease mechanism: loss of function.
CLN3-related disorders.

Allele frequency attached by ClinVar (database versions not stated): gnomAD 0.00001.

Submissions (2):

Labcorp Genetics (formerly Invitae), Labcorp
Classification: Pathogenic for Neuronal ceroid lipofuscinosis. Last evaluated: 2025-08-21. Review status: criteria provided, single submitter. Criteria: Invitae Variant Classification Sherloc (09022015). Collection method: clinical testing. Allele origin: germline.
Comment: This sequence change replaces serine, which is neutral and polar, with leucine, which is neutral and non-polar, at codon 161 of the CLN3 protein (p.Ser161Leu). This variant is not present in population databases (gnomAD no frequency). This missense change has been observed in individual(s) with CLN3-related conditions (PMID: 32441891; internal data). In at least one individual the data is consistent with being in trans (on the opposite chromosome) from a pathogenic variant. ClinVar contains an entry for this variant (Variation ID: 1402913). Invitae Evidence Modeling of protein sequence and biophysical properties (such as structural, functional, and spatial information, amino acid conservation, physicochemical variation, residue mobility, and thermodynamic stability) indicates that this missense variant is expected to disrupt CLN3 protein function with a positive predictive value of 95%. For these reasons, this variant has been classified as Pathogenic.

Blueprint Genetics
Classification: Likely pathogenic for CLN3-related disorders. Last evaluated: 2022-05-11. Review status: criteria provided, single submitter. Criteria: ACMG Guidelines, 2015. Collection method: clinical testing. Allele origin: germline. Affected: yes. Observed: 1 variant allele.

Literature cited by the submitters: PubMed 32441891 (cited by Labcorp Genetics (formerly Invitae), Labcorp).

NM_001042432.2(CLN3):c.482C>T (p.Ser161Leu)

Gene: CLN3 (CLN3 lysosomal/endosomal transmembrane protein, battenin; minus strand). Cytogenetic location: 16p12.1.
Variant type: single nucleotide variant.
Coding change: c.482C>T on transcript NM_001042432.2 (MANE Select); coding-DNA position 482, C replaced by T.
Protein change: p.Ser161Leu; replaces serine 161 with leucine.
Molecular consequence: missense variant.
Genome position (GRCh38, 1-based): chr16:28,486,629, G>A on the plus strand (C>T on the coding strand, the complement: CLN3 is on the minus strand). VCF-style: chr16-28486629-G-A. GRCh37 (hg19) VCF-style: chr16-28497950-G-A.
Other names: c.482C>T, p.Ser161Leu (NM_000086.2); c.410C>T, p.Ser137Leu (NM_001286104.2); c.182C>T, p.Ser61Leu (NM_001286105.2); c.248C>T, p.Ser83Leu (NM_001286109.2); c.320C>T, p.Ser107Leu (NM_001286110.2); short protein forms S107L, S61L, S137L, S161L, S83L.
Identifiers: ClinVar variation 1402913 (VCV001402913.7), dbSNP rs386833724, ClinGen allele CA279784669.